The following is an entry in ClinVar:

ClinVar aggregate classification (germline): Conflicting classifications of pathogenicity. Review status: criteria provided, conflicting classifications (1 of 4 stars). 2 submissions from 2 submitters: Uncertain significance (1); Likely benign (1). Last evaluated 2025-01-04.

Conditions:
Cardiovascular phenotype. Identifiers: MedGen CN230736.
Long QT syndrome (LQTS). Identifiers: MedGen C0023976, MeSH D008133, MONDO:0002442. Disease mechanism: loss of function. Inheritance: Various modes of inheritance.

Allele frequency attached by ClinVar (database versions not stated): gnomAD 0.00003; TOPMed 0.00007; ExAC 0.00010; 1000 Genomes Project 30x 0.00016; 1000 Genomes Project 0.00020.
gnomAD v4.1: 25 of 1,613,570 alleles (0.0015%); highest among the groups gnomAD compares: East Asian, 0.047%; no homozygotes.

Submissions (2):

Ambry Genetics
Classification: Likely benign for Cardiovascular phenotype. Last evaluated: 2025-01-04. Review status: criteria provided, single submitter. Criteria: Ambry Variant Classification Scheme 2023. Collection method: clinical testing. Allele origin: germline.

Labcorp Genetics (formerly Invitae), Labcorp
Classification: Uncertain significance for Long QT syndrome. Last evaluated: 2024-08-13. Review status: criteria provided, single submitter. Criteria: Invitae Variant Classification Sherloc (09022015). Collection method: clinical testing. Allele origin: germline.
Comment: This sequence change replaces glutamine, which is neutral and polar, with proline, which is neutral and non-polar, at codon 2101 of the AKAP9 protein (p.Gln2101Pro). This variant is present in population databases (rs201545032, gnomAD 0.1%), and has an allele count higher than expected for a pathogenic variant. This variant has not been reported in the literature in individuals affected with AKAP9-related conditions. ClinVar contains an entry for this variant (Variation ID: 655152). An algorithm developed to predict the effect of missense changes on protein structure and function (PolyPhen-2) suggests that this variant is likely to be disruptive. In summary, the available evidence is currently insufficient to determine the role of this variant in disease. Therefore, it has been classified as a Variant of Uncertain Significance.

NM_005751.5(AKAP9):c.6302A>C (p.Gln2101Pro)

Gene: AKAP9 (A-kinase anchoring protein 9; plus strand). Cytogenetic location: 7q21.2.
Variant type: single nucleotide variant.
Coding change: c.6302A>C on transcript NM_005751.5 (MANE Select); coding-DNA position 6302, A replaced by C.
Protein change: p.Gln2101Pro; replaces glutamine 2101 with proline.
Molecular consequence: missense variant.
Genome position (GRCh38, 1-based): chr7:92,066,518, A>C. VCF-style: chr7-92066518-A-C. GRCh37 (hg19) VCF-style: chr7-91695832-A-C.
Other names: c.947A>C, p.Gln316Pro (NM_001379277.1); c.6302A>C, p.Gln2101Pro (NM_147185.3); short protein forms Q2101P, Q316P.
Identifiers: ClinVar variation 655152 (VCV000655152.8), dbSNP rs201545032, ClinGen allele CA4337034.